The following is an entry in ClinVar:

ClinVar aggregate classification (germline): Benign/Likely benign. Review status: criteria provided, multiple submitters, no conflicts (2 of 4 stars). 3 submissions from 3 submitters: Benign (2); Likely benign (1). Last evaluated 2022-12-01.

Allele frequency attached by ClinVar (database versions not stated): TOPMed 0.00303; gnomAD 0.00305 and 0.00318; ESP Exome Variant Server 0.00314; gnomAD exomes 0.00319 and 0.00534; ExAC 0.00521; 1000 Genomes Project 0.00080; 1000 Genomes Project 30x 0.00125.
gnomAD v4.1: 7,967 of 1,575,384 alleles (0.51%); highest among the groups gnomAD compares: Non-Finnish European, 0.64%; 30 homozygotes.

Submissions (3):

CeGaT Center for Human Genetics Tuebingen
Classification: Likely benign. Last evaluated: 2022-12-01. Review status: criteria provided, single submitter. Criteria: CeGaT Center For Human Genetics Tuebingen Variant Classification Criteria Version 2. Collection method: clinical testing. Allele origin: germline. Affected: yes. Observed: 2 variant alleles.
Comment: FAM53A: BP4, BP7, BS2

Labcorp Genetics (formerly Invitae), Labcorp
Classification: Benign. Last evaluated: 2018-03-28. Review status: criteria provided, single submitter. Criteria: Invitae Variant Classification Sherloc (09022015). Collection method: clinical testing. Allele origin: germline.

Breakthrough Genomics
Classification: Benign. Review status: criteria provided, single submitter. Criteria: ACMG Guidelines, 2015. Collection method: not provided. Allele origin: germline. Inheritance: Unknown mechanism. Affected: yes.

NM_001174070.3(FAM53A):c.699C>A (p.Gly233=)

Gene: FAM53A (family with sequence similarity 53 member A; minus strand). Cytogenetic location: 4p16.3.
Variant type: single nucleotide variant.
Coding change: c.699C>A on transcript NM_001174070.3 (MANE Select); coding-DNA position 699, C replaced by A.
Protein change: p.Gly233=; no amino-acid change (glycine 233 retained).
Molecular consequence: synonymous variant.
Genome position (GRCh38, 1-based): chr4:1,655,161, G>T on the plus strand (C>A on the coding strand, the complement: FAM53A is on the minus strand). VCF-style: chr4-1655161-G-T. GRCh37 (hg19) VCF-style: chr4-1656888-G-T.
Other names: c.699C>A, p.Gly233= (NM_001013622.3, NM_001297435.1).
Identifiers: ClinVar variation 774855 (VCV000774855.28), dbSNP rs182903545, ClinGen allele CA2807851.